The following is an entry in ClinVar:

NM_001130009.3(GEN1):c.606_618del (p.Ile203fs)

Gene: GEN1 (GEN1 structure-specific endonuclease; plus strand). Cytogenetic location: 2p24.2.
Variant type: Deletion.
Coding change: c.606_618del on transcript NM_001130009.3 (MANE Select); coding-DNA positions 606 to 618, 13 bases deleted (AATACTTCTTGGC).
Protein change: p.Ile203fs; shifts the reading frame from isoleucine 203.
Molecular consequence: frameshift variant.
Genome position (GRCh38, 1-based): chr2:17,766,659-17,766,671, AATACTTCTTGGC deleted; deleting any 13 consecutive bases within chr2:17,766,657-17,766,671 gives the same sequence; the c. name uses the placement nearest the transcript's 3' end. VCF-style (leftmost placement, unchanged base first): chr2-17766656-AGCAATACTTCTTG-A. GRCh37 (hg19) VCF-style: chr2-17947923-AGCAATACTTCTTG-A.
Other names: c.606_618del, p.Ile203fs (NM_182625.5); short protein forms I203fs.
Identifiers: ClinVar variation 1364768 (VCV001364768.7), dbSNP rs1279802659, ClinGen allele CA531045894.

ClinVar aggregate classification (germline): Uncertain significance (1 of 4 stars; one submission).

Submission:

Labcorp Genetics (formerly Invitae), Labcorp
Classification: Uncertain significance. Last evaluated: 2024-03-13. Review status: criteria provided, single submitter. Criteria: Invitae Variant Classification Sherloc (09022015). Collection method: clinical testing. Allele origin: germline.
Comment: This sequence change creates a premature translational stop signal (p.Ile203Valfs*17) in the GEN1 gene. It is expected to result in an absent or disrupted protein product. However, the current clinical and genetic evidence is not sufficient to establish whether loss-of-function variants in GEN1 cause disease. This variant is not present in population databases (gnomAD no frequency). This variant has not been reported in the literature in individuals affected with GEN1-related conditions. ClinVar contains an entry for this variant (Variation ID: 1364768). In summary, the available evidence is currently insufficient to determine the role of this variant in disease. Therefore, it has been classified as a Variant of Uncertain Significance.